The following is an entry in ClinVar:

NM_001267550.2(TTN):c.1662+2T>G

Gene: TTN (titin; minus strand). Cytogenetic location: 2q31.2.
Variant type: single nucleotide variant.
Coding change: c.1662+2T>G on transcript NM_001267550.2 (MANE Select); the canonical splice donor site of the intron after coding-DNA position 1662, T replaced by G.
Molecular consequence: splice donor variant.
Genome position (GRCh38, 1-based): chr2:178,792,070, A>C on the plus strand (T>G on the coding strand, the complement: TTN is on the minus strand). VCF-style: chr2-178792070-A-C. GRCh37 (hg19) VCF-style: chr2-179656797-A-C.
Other names: c.1662+2T>G (NM_003319.4, NM_133437.4, NM_133432.3 and 3 more transcripts).
Identifiers: ClinVar variation 1478780 (VCV001478780.6), dbSNP rs2154354670, ClinGen allele CA349510313.

ClinVar aggregate classification (germline): Likely pathogenic (1 of 4 stars; one submission).

Conditions:
Dilated cardiomyopathy 1G (CMD1G). Identifiers: Orphanet 154, MedGen C1858763, MONDO:0011400, OMIM 604145.
Autosomal recessive limb-girdle muscular dystrophy type 2J (LGMDR10). Also called: Limb-girdle muscular dystrophy, type 2J; MUSCULAR DYSTROPHY, LIMB-GIRDLE, AUTOSOMAL RECESSIVE 10. Identifiers: Orphanet 140922, MedGen C1837342, MONDO:0012127, OMIM 608807.

Submission:

Labcorp Genetics (formerly Invitae), Labcorp
Classification: Likely pathogenic for Dilated cardiomyopathy 1G; Autosomal recessive limb-girdle muscular dystrophy type 2J. Last evaluated: 2024-10-18. Review status: criteria provided, single submitter. Criteria: Invitae Variant Classification Sherloc (09022015). Collection method: clinical testing. Allele origin: germline.
Comment: This sequence change affects a donor splice site in intron 10 of the TTN gene. It is expected to disrupt RNA splicing and likely results in a truncated or disrupted TTN protein. This variant is not present in population databases (gnomAD no frequency). This variant has not been reported in the literature in individuals affected with TTN-related conditions. ClinVar contains an entry for this variant (Variation ID: 1478780). Algorithms developed to predict the effect of sequence changes on RNA splicing suggest that this variant may disrupt the consensus splice site. This variant is located in the Z band of TTN (PMID: 25589632). Truncating variants in this region have been reported in individuals affected with autosomal recessive centronuclear myopathy (PMID: 33449170, internal data). Truncating variants in this region have also been identified in individuals affected with autosomal dominant dilated cardiomyopathy and/or cardio-related conditions (PMID: 27869827, 32964742, internal data). In summary, the currently available evidence indicates that the variant is pathogenic, but additional data are needed to prove that conclusively. Therefore, this variant has been classified as Likely Pathogenic.

Literature cited by the submitters: PubMed 25589632; PubMed 33449170; PubMed 27869827; PubMed 32964742.